The following is an entry in ClinVar:

NM_001013838.3(CARMIL2):c.2977A>G (p.Ser993Gly)

Gene: CARMIL2 (capping protein regulator and myosin 1 linker 2; plus strand). Cytogenetic location: 16q22.1.
Variant type: single nucleotide variant.
Coding change: c.2977A>G on transcript NM_001013838.3 (MANE Select); coding-DNA position 2977, A replaced by G.
Protein change: p.Ser993Gly; replaces serine 993 with glycine.
Molecular consequence: missense variant.
Genome position (GRCh38, 1-based): chr16:67,653,111, A>G. VCF-style: chr16-67653111-A-G. GRCh37 (hg19) VCF-style: chr16-67687014-A-G.
Other names: c.2869A>G, p.Ser957Gly (NM_001317026.3); short protein forms S957G, S993G.
Identifiers: ClinVar variation 1496211 (VCV001496211.6), dbSNP rs932810241, ClinGen allele CA283210336.

ClinVar aggregate classification (germline): Uncertain significance (1 of 4 stars; one submission).

Allele frequency attached by ClinVar (database versions not stated): gnomAD 0.00002; TOPMed 0.00002.
gnomAD v4.1: 4 of 1,150,104 alleles (0.00035%); highest among the groups gnomAD compares: Non-Finnish European, 0.00032%; no homozygotes.

Submission:

Labcorp Genetics (formerly Invitae), Labcorp
Classification: Uncertain significance. Last evaluated: 2022-05-30. Review status: criteria provided, single submitter. Criteria: Invitae Variant Classification Sherloc (09022015). Collection method: clinical testing. Allele origin: germline.
Comment: This sequence change replaces serine, which is neutral and polar, with glycine, which is neutral and non-polar, at codon 993 of the CARMIL2 protein (p.Ser993Gly). This variant is present in population databases (no rsID available, gnomAD 0.007%). This variant has not been reported in the literature in individuals affected with CARMIL2-related conditions. ClinVar contains an entry for this variant (Variation ID: 1496211). Algorithms developed to predict the effect of missense changes on protein structure and function are either unavailable or do not agree on the potential impact of this missense change (SIFT: "Tolerated"; PolyPhen-2: "Probably Damaging"; Align-GVGD: "Class C0"). In summary, the available evidence is currently insufficient to determine the role of this variant in disease. Therefore, it has been classified as a Variant of Uncertain Significance.